The following is an entry in ClinVar:

NM_024426.6(WT1):c.1172G>T (p.Ser391Ile)

Gene: WT1 (WT1 transcription factor; minus strand). Cytogenetic location: 11p13.
Variant type: single nucleotide variant.
Coding change: c.1172G>T on transcript NM_024426.6 (MANE Select); coding-DNA position 1172, G replaced by T.
Protein change: p.Ser391Ile; replaces serine 391 with isoleucine.
Molecular consequence: missense variant. On other transcripts: 5 prime UTR variant (1), non-coding transcript variant (2).
Genome position (GRCh38, 1-based): chr11:32,396,349, C>A on the plus strand (G>T on the coding strand, the complement: WT1 is on the minus strand). VCF-style: chr11-32396349-C-A. GRCh37 (hg19) VCF-style: chr11-32417895-C-A.
Other names: c.1121G>T, p.Ser374Ile (NM_000378.6, NM_001407045.1, NM_001407048.1 and 1 more transcripts); c.521G>T, p.Ser174Ile (NM_001198551.2); c.470G>T, p.Ser157Ile (NM_001198552.2); c.-17G>T (NM_001367854.1); c.1166G>T, p.Ser389Ile (NM_001407044.1); c.1172G>T, p.Ser391Ile (NM_024424.5, NM_001407046.1); c.1049G>T, p.Ser350Ile (NM_001407047.1); c.998G>T, p.Ser333Ile (NM_001407050.1); and 3 more; short protein forms S137I, S157I, S174I, S301I, S318I, S333I, S350I, S374I.
Identifiers: ClinVar variation 4756827 (VCV004756827.1).

ClinVar aggregate classification (germline): Uncertain significance (1 of 4 stars; one submission).

Conditions:
Wilms tumor 1 (WT1). Also called: Wilms tumor, somatic. Identifiers: Orphanet 654, MedGen CN033288, MONDO:0008679, OMIM 194070.

gnomAD v4.1: 1 of 1,614,184 alleles (0.000062%); no homozygotes.

Submission:

Color Diagnostics, LLC DBA Color Health
Classification: Uncertain significance for Wilms tumor 1. Last evaluated: 2025-06-26. Review status: criteria provided, single submitter. Criteria: ACMG Guidelines, 2015. Collection method: clinical testing. Allele origin: germline.
Comment: This missense variant replaces serine with isoleucine at codon 386 of the WT1 protein. Computational prediction suggests that this variant may not impact protein structure and function. To our knowledge, functional studies have not been reported for this variant. This variant has not been reported in individuals affected with WT1-related disorders in the literature. This variant has not been identified in the general population by the Genome Aggregation Database (gnomAD). The available evidence is insufficient to determine the role of this variant in disease conclusively. Therefore, this variant is classified as a Variant of Uncertain Significance.